The following is an entry in ClinVar:

NM_182914.3(SYNE2):c.6481C>T (p.Leu2161=)

Gene: SYNE2 (spectrin repeat containing nuclear envelope protein 2; plus strand). Cytogenetic location: 14q23.2.
Variant type: single nucleotide variant.
Coding change: c.6481C>T on transcript NM_182914.3 (MANE Select); coding-DNA position 6481, C replaced by T.
Protein change: p.Leu2161=; no amino-acid change (leucine 2161 retained).
Molecular consequence: synonymous variant.
Genome position (GRCh38, 1-based): chr14:64,027,560, C>T. VCF-style: chr14-64027560-C-T. GRCh37 (hg19) VCF-style: chr14-64494278-C-T.
Other names: c.6481C>T, p.Leu2161= (NM_015180.6).
Identifiers: ClinVar variation 130503 (VCV000130503.26), dbSNP rs10151127, ClinGen allele CA155590.

ClinVar aggregate classification (germline): Benign. Review status: criteria provided, multiple submitters, no conflicts (2 of 4 stars). 7 submissions from 7 submitters: Benign (7). Last evaluated 2026-02-03.

Conditions:
Emery-Dreifuss muscular dystrophy 5, autosomal dominant (EDMD5). Also called: EMERY-DREIFUSS MUSCULAR DYSTROPHY 5. Identifiers: Orphanet 261, MedGen C2751805, MONDO:0013072, OMIM 612999.

Allele frequency attached by ClinVar (database versions not stated): 1000 Genomes Project 30x 0.74578; 1000 Genomes Project 0.75200; TOPMed 0.79842; gnomAD 0.80823 and 0.81166; ESP Exome Variant Server 0.81240.
gnomAD v4.1: 1,447,885 of 1,612,324 alleles (90%); highest among the groups gnomAD compares: Non-Finnish European, 93%; 656,083 homozygotes.

Submissions (7):

Labcorp Genetics (formerly Invitae), Labcorp
Classification: Benign for Emery-Dreifuss muscular dystrophy 5, autosomal dominant. Last evaluated: 2026-02-03. Review status: criteria provided, single submitter. Criteria: Invitae Variant Classification Sherloc (09022015). Collection method: clinical testing. Allele origin: germline.

Genome-Nilou Lab
Classification: Benign for Emery-Dreifuss muscular dystrophy 5, autosomal dominant. Last evaluated: 2021-07-15. Review status: criteria provided, single submitter. Criteria: ACMG Guidelines, 2015. Collection method: clinical testing. Allele origin: germline. Affected: no.

GeneDx
Classification: Benign. Last evaluated: 2018-07-09. Review status: criteria provided, single submitter. Criteria: GeneDx Variant Classification Process June 2021. Collection method: clinical testing. Allele origin: germline. Affected: yes.

Illumina Laboratory Services, Illumina
Classification: Benign for Emery-Dreifuss muscular dystrophy 5, autosomal dominant. Last evaluated: 2018-01-12. Review status: criteria provided, single submitter. Criteria: ICSL Variant Classification Criteria 13 December 2019. Collection method: clinical testing. Allele origin: germline.
Comment: This variant was observed in the ICSL laboratory as part of a predisposition screen in an ostensibly healthy population. It had not been previously curated by ICSL or reported in the Human Gene Mutation Database (HGMD: prior to June 1st, 2018), and was therefore a candidate for classification through an automated scoring system. Utilizing variant allele frequency, disease prevalence and penetrance estimates, and inheritance mode, an automated score was calculated to assess if this variant is too frequent to cause the disease. Based on the score and internal cut-off values, a variant classified as benign is not then subjected to further curation. The score for this variant resulted in a classification of benign for this disease.

Eurofins Ntd Llc (ga)
Classification: Benign. Last evaluated: 2015-01-06. Review status: criteria provided, single submitter. Criteria: EGL Classification Definitions 2015. Collection method: clinical testing. Allele origin: germline. Observed: 3 variant alleles, 1 heterozygote, 2 homozygotes.

Genetic Services Laboratory, University of Chicago
Classification: Benign for AllHighlyPenetrant. Last evaluated: 2013-08-15. Review status: criteria provided, single submitter. Criteria: ACMG Guidelines, 2007. Collection method: clinical testing. Allele origin: germline. Inheritance: Autosomal dominant inheritance.

Breakthrough Genomics
Classification: Benign. Review status: criteria provided, single submitter. Criteria: ACMG Guidelines, 2015. Collection method: not provided. Allele origin: germline. Inheritance: Autosomal dominant inheritance. Affected: yes.